The following is an entry in ClinVar:

NM_031407.7(HUWE1):c.916A>G (p.Ile306Val)

Gene: HUWE1 (HECT, UBA and WWE domain containing E3 ubiquitin protein ligase 1; minus strand). Cytogenetic location: Xp11.22.
Variant type: single nucleotide variant.
Coding change: c.916A>G on transcript NM_031407.7 (MANE Select); coding-DNA position 916, A replaced by G.
Protein change: p.Ile306Val; replaces isoleucine 306 with valine.
Molecular consequence: missense variant.
Genome position (GRCh38, 1-based): chrX:53,629,563, T>C on the plus strand (A>G on the coding strand, the complement: HUWE1 is on the minus strand). VCF-style: chrX-53629563-T-C. GRCh37 (hg19) VCF-style: chrX-53656514-T-C.
Other names: short protein forms I306V.
Identifiers: ClinVar variation 2430956 (VCV002430956.1), dbSNP rs2066735416, ClinGen allele CA413158142.

ClinVar aggregate classification (germline): Uncertain significance (1 of 4 stars; one submission).

Allele frequency attached by ClinVar (database versions not stated): TOPMed below 0.00001.

Submission:

GeneDx
Classification: Uncertain significance. Last evaluated: 2022-08-23. Review status: criteria provided, single submitter. Criteria: GeneDx Variant Classification Process June 2021. Collection method: clinical testing. Allele origin: germline. Affected: yes.
Comment: Not observed at significant frequency in large population cohorts (gnomAD); In silico analysis supports that this missense variant does not alter protein structure/function; Has not been previously published as pathogenic or benign to our knowledge